The following is an entry in ClinVar:

ClinVar aggregate classification (germline): Likely benign (0 of 4 stars; one submission).

Conditions:
SEMA3D-related disorder. Also called: SEMA3D-related condition.

Submission:

PreventionGenetics, part of Exact Sciences
Classification: Likely benign for SEMA3D-related condition. Last evaluated: 2023-07-04. Review status: no assertion criteria provided. Collection method: clinical testing. Allele origin: germline.
Comment: This variant is classified as likely benign based on ACMG/AMP sequence variant interpretation guidelines (Richards et al. 2015 PMID: 25741868, with internal and published modifications).

NM_001384900.1(SEMA3D):c.1890G>A (p.Gly630=)

Gene: SEMA3D (semaphorin 3D; minus strand). Cytogenetic location: 7q21.11.
Variant type: single nucleotide variant.
Coding change: c.1890G>A on transcript NM_001384900.1 (MANE Select); coding-DNA position 1890, G replaced by A.
Protein change: p.Gly630=; no amino-acid change (glycine 630 retained).
Molecular consequence: synonymous variant.
Genome position (GRCh38, 1-based): chr7:85,006,820, C>T on the plus strand (G>A on the coding strand, the complement: SEMA3D is on the minus strand). VCF-style: chr7-85006820-C-T. GRCh37 (hg19) VCF-style: chr7-84636136-C-T.
Other names: c.1890G>A, p.Gly630= (NM_001384901.1, NM_001384902.1, NM_001384903.1 and 1 more transcripts).
Identifiers: ClinVar variation 3356142 (VCV003356142.1).